The following is an entry in ClinVar:

NM_000302.4(PLOD1):c.1994A>G (p.Asn665Ser)

Gene: PLOD1 (procollagen-lysine,2-oxoglutarate 5-dioxygenase 1; plus strand). Cytogenetic location: 1p36.22.
Variant type: single nucleotide variant.
Coding change: c.1994A>G on transcript NM_000302.4 (MANE Select); coding-DNA position 1994, A replaced by G.
Protein change: p.Asn665Ser; replaces asparagine 665 with serine.
Molecular consequence: missense variant.
Genome position (GRCh38, 1-based): chr1:11,972,963, A>G. VCF-style: chr1-11972963-A-G. GRCh37 (hg19) VCF-style: chr1-12033020-A-G.
Other names: c.2135A>G, p.Asn712Ser (NM_001316320.2); short protein forms N665S, N712S.
Identifiers: ClinVar variation 4535649 (VCV004535649.1).
Genomic context (GRCh38, chr1:11,972,963, plus strand): 5'-ACAAGCCTGATGAGCAGCCCTCACTGATGCCACACCATGATGCCTCCACCTTCACCATCA[A>G]CATCGCCCTGAACCGAGTCGGGGTGGATTACGAGGTGAGCAGGAGCCAGCCGGGGTCAAG-3'
Protein context (NP_000293.2, residues 655-675): PHHDASTFTI[Asn665Ser]IALNRVGVDY

ClinVar aggregate classification (germline): Uncertain significance (1 of 4 stars; one submission).

Submission:

Women's Health and Genetics/Laboratory Corporation of America, LabCorp
Classification: Uncertain significance. Last evaluated: 2025-09-09. Review status: criteria provided, single submitter. Criteria: LabCorp Variant Classification Summary - May 2015. Collection method: clinical testing. Allele origin: germline.
Comment: Variant summary: PLOD1 c.1994A>G (p.Asn665Ser) results in a conservative amino acid change in the encoded protein sequence. Algorithms developed to predict the effect of missense changes on protein structure and function are either unavailable or do not agree on the potential impact of this missense change. The variant was absent in 251432 control chromosomes. The available data on variant occurrences in the general population are insufficient to allow any conclusion about variant significance. To our knowledge, no occurrence of c.1994A>G in individuals affected with PLOD1-related conditions and no experimental evidence demonstrating its impact on protein function have been reported. No submitters have cited clinical-significance assessments for this variant to ClinVar. Based on the evidence outlined above, the variant was classified as uncertain significance.